The following is an entry in ClinVar:

ClinVar aggregate classification (germline): Uncertain significance (1 of 4 stars; one submission).

Conditions:
Long QT syndrome (LQTS). Identifiers: MedGen C0023976, MeSH D008133, MONDO:0002442. Disease mechanism: loss of function. Inheritance: Various modes of inheritance.

gnomAD v4.1: 1 of 1,614,008 alleles (0.000062%); highest among the groups gnomAD compares: African/African-American, 0.0013%; no homozygotes.

Submission:

Labcorp Genetics (formerly Invitae), Labcorp
Classification: Uncertain significance for Long QT syndrome. Last evaluated: 2025-04-28. Review status: criteria provided, single submitter. Criteria: Invitae Variant Classification Sherloc (09022015). Collection method: clinical testing. Allele origin: germline.
Comment: This sequence change replaces leucine, which is neutral and non-polar, with phenylalanine, which is neutral and non-polar, at codon 3686 of the AKAP9 protein (p.Leu3686Phe). This variant is present in population databases (no rsID available, gnomAD 0.01%). This variant has not been reported in the literature in individuals affected with AKAP9-related conditions. An algorithm developed to predict the effect of missense changes on protein structure and function (PolyPhen-2) suggests that this variant is likely to be disruptive. In summary, the available evidence is currently insufficient to determine the role of this variant in disease. Therefore, it has been classified as a Variant of Uncertain Significance.

NM_005751.5(AKAP9):c.11056C>T (p.Leu3686Phe)

Gene: AKAP9 (A-kinase anchoring protein 9; plus strand). Cytogenetic location: 7q21.2.
Variant type: single nucleotide variant.
Coding change: c.11056C>T on transcript NM_005751.5 (MANE Select); coding-DNA position 11056, C replaced by T.
Protein change: p.Leu3686Phe; replaces leucine 3686 with phenylalanine.
Molecular consequence: missense variant.
Genome position (GRCh38, 1-based): chr7:92,101,015, C>T. VCF-style: chr7-92101015-C-T. GRCh37 (hg19) VCF-style: chr7-91730329-C-T.
Other names: c.5701C>T, p.Leu1901Phe (NM_001379277.1); c.11032C>T, p.Leu3678Phe (NM_147185.3); short protein forms L1901F, L3678F, L3686F.
Identifiers: ClinVar variation 4714472 (VCV004714472.1).